The following is an entry in ClinVar:

ClinVar aggregate classification (germline): Pathogenic (1 of 4 stars; one submission).

Conditions:
Polyglandular autoimmune syndrome, type 1 (APS1). Also called: Whitaker syndrome; Autoimmune polyendocrinopathy syndrome, type I; Autoimmune polyendocrine syndrome type 1; AUTOIMMUNE POLYENDOCRINE SYNDROME, TYPE I, WITH OR WITHOUT REVERSIBLE METAPHYSEAL DYSPLASIA; APS I; HYPOADRENOCORTICISM WITH HYPOPARATHYROIDISM AND SUPERFICIAL MONILIASIS. Identifiers: Orphanet 3453, MedGen C0085859, MONDO:0009411, OMIM 240300.

Submission:

Myriad Genetics, Inc.
Classification: Pathogenic for Polyglandular autoimmune syndrome, type 1. Last evaluated: 2023-09-27. Review status: criteria provided, single submitter. Criteria: Myriad Autosomal Dominant, Autosomal Recessive and X-Linked Classification Criteria (2023). Collection method: clinical testing. Allele origin: unknown.
Comment: NM_000383.3(AIRE):c.1168dupA(T390Nfs*34) is expected to be pathogenic in the context of autoimmune polyglandular syndrome type 1. This variant is predicted to lead to an abnormal or absent protein product due to the creation of a premature termination codon in AIRE, a gene where loss-of-function variants are known to be pathogenic. Please note: this variant was assessed in the context of healthy population screening.

NM_000383.4(AIRE):c.1168dup (p.Thr390fs)

Gene: AIRE (autoimmune regulator; plus strand). Cytogenetic location: 21q22.3.
Variant type: Duplication.
Coding change: c.1168dup on transcript NM_000383.4 (MANE Select); coding-DNA position 1168, one base duplicated (A; older notation c.1168dupA).
Protein change: p.Thr390fs; shifts the reading frame from threonine 390.
Molecular consequence: frameshift variant.
Genome position (GRCh38, 1-based): chr21:44,293,065, A duplicated. VCF-style (leftmost placement, unchanged base first): chr21-44293064-C-CA. GRCh37 (hg19) VCF-style: chr21-45712947-C-CA.
Other names: short protein forms T390fs.
Identifiers: ClinVar variation 5011918 (VCV005011918.1).
Genomic context (GRCh38, chr21:44,293,064, plus strand): 5'-GCTTAGGTCGGCGGGAGAGGAGGTAAGAGGTCCACCTGGGGAACCCCTAGCCGGCATGGA[C>CA]ACGACTCTTGTCTACAAGCACCTGCCGGCTCCGCCTTCTGCAGCCCCGCTGCCAGGGCTG-3'